The following is an entry in ClinVar:

ClinVar aggregate classification (germline): Pathogenic/Likely pathogenic. Review status: criteria provided, multiple submitters, no conflicts (2 of 4 stars). 11 submissions from 11 submitters: Pathogenic (9); Likely pathogenic (1). 1 of the submissions does not count toward it. Last evaluated 2024-04-02.

Conditions:
Malignant tumor of breast. Also called: Malignant breast neoplasm; Cancer breast. Identifiers: MedGen C0006142, MONDO:0007254. Disease mechanism: loss of function.
Hereditary cancer-predisposing syndrome. Also called: Hereditary Cancer Syndrome; Tumor predisposition; Neoplastic Syndromes, Hereditary; Hereditary neoplastic syndrome. Identifiers: Orphanet 140162, MedGen C0027672, MeSH D009386, MONDO:0015356.
PALB2-related disorder. Also called: PALB2-related disorders; PALB2-related condition.
Fanconi anemia complementation group N. Also called: PALB2-Related Fanconi Anemia. Identifiers: Orphanet 84, MedGen C1835817, MONDO:0012565, OMIM 610832. Disease mechanism: loss of function.
Pancreatic cancer, susceptibility to, 3. Identifiers: Orphanet 1333, MedGen C3150547, MONDO:0013236, OMIM 613348.
Breast-ovarian cancer, familial, susceptibility to, 5 (BROVCA5). Identifiers: MedGen C5830615, MONDO:0957530, OMIM 620442.
Familial cancer of breast. Also called: hereditary breast carcinoma; Hereditary breast cancer; BREAST CANCER, FAMILIAL. Identifiers: Orphanet 227535, MedGen C0346153, MONDO:0016419, OMIM 114480. Disease mechanism: loss of function.

Submissions (11):

Genetic Services Laboratory, University of Chicago
Classification: Pathogenic. Last evaluated: 2024-04-02. Review status: criteria provided, single submitter. Criteria: ACMG Guidelines, 2015. Collection method: clinical testing. Allele origin: germline. Affected: yes.
Comment: DNA sequence analysis of the PALB2 gene demonstrated a sequence change, c.3441T>A, which results in the creation of a premature stop codon at amino acid position 1147, p.Cys1147*. This pathogenic sequence change is predicted to result in an abnormal transcript, which may be degraded, or may lead to the production of a truncated PALB2 protein with potentially abnormal function. This sequence change has not been described in the population databases such as ExAC and gnomAD. This pathogenic sequence change has previously been described in an individual with ovarian cancer (PMID: 29053726). Loss-of-function variants in the PALB2 gene are known to be pathogenic (PMID: 17200668, 17200671). Collectively, this evidence indicates that this sequence change is pathogenic, however, functional studies have not been performed to prove this conclusively.

Women's Health and Genetics/Laboratory Corporation of America, LabCorp
Classification: Pathogenic for Malignant tumor of breast. Last evaluated: 2024-03-27. Review status: criteria provided, single submitter. Criteria: LabCorp Variant Classification Summary - May 2015. Collection method: clinical testing. Allele origin: germline.
Comment: Variant summary: PALB2 c.3441T>A (p.Cys1147X) results in a premature termination codon, predicted to cause a truncation of the encoded protein in a domain known to be critically relevant to PALB2 function. The variant was absent in 251474 control chromosomes. c.3441T>A has been reported in the literature in at-least one individual affected with Ovarian Cancer (example, Harter_2017). The following publication has been ascertained in the context of this evaluation (PMID: 29053726). ClinVar contains an entry for this variant (Variation ID: 546008). Based on the evidence outlined above, the variant was classified as pathogenic.

Fulgent Genetics
Classification: Likely pathogenic for Fanconi anemia complementation group N; Pancreatic cancer, susceptibility to, 3; Breast-ovarian cancer, familial, susceptibility to, 5. Last evaluated: 2024-03-11. Review status: criteria provided, single submitter. Criteria: ACMG Guidelines, 2015. Collection method: clinical testing. Allele origin: germline.

GeneDx
Classification: Pathogenic. Last evaluated: 2024-03-05. Review status: criteria provided, single submitter. Criteria: GeneDx Variant Classification Process June 2021. Collection method: clinical testing. Allele origin: germline. Affected: yes.
Comment: Nonsense variant predicted to result in protein truncation or nonsense mediated decay in a gene for which loss of function is a known mechanism of disease; Not observed at significant frequency in large population cohorts (gnomAD); Observed in an individual with ovarian cancer (PMID: 29053726); Truncating variants in this gene are considered pathogenic by a well-established clinical consortium and/or database; This variant is associated with the following publications: (PMID: 29053726)

Department of Pathology and Laboratory Medicine, Sinai Health System
Classification: Pathogenic for Fanconi anemia complementation group N; Pancreatic cancer, susceptibility to, 3; Breast-ovarian cancer, familial, susceptibility to, 5. Last evaluated: 2024-03-04. Review status: criteria provided, single submitter. Criteria: ACMG Guidelines, 2015. Collection method: clinical testing. Allele origin: germline. Affected: yes.

Myriad Genetics, Inc.
Classification: Pathogenic for Familial cancer of breast. Last evaluated: 2023-09-15. Review status: criteria provided, single submitter. Criteria: Myriad Autosomal Dominant, Autosomal Recessive and X-Linked Classification Criteria (2023). Collection method: clinical testing. Allele origin: unknown.
Comment: This variant is considered pathogenic. This variant creates a termination codon and is predicted to result in premature protein truncation.

Ambry Genetics
Classification: Pathogenic for Hereditary cancer-predisposing syndrome. Last evaluated: 2023-01-23. Review status: criteria provided, single submitter. Criteria: Ambry Variant Classification Scheme 2023. Collection method: clinical testing. Allele origin: germline.
Comment: The p.C1147* pathogenic mutation (also known as c.3441T>A), located in coding exon 13 of the PALB2 gene, results from a T to A substitution at nucleotide position 3441. This changes the amino acid from a cysteine to a stop codon within coding exon 13. This alteration occurs at the 3' terminus of thePALB2 gene, is not expected to trigger nonsense-mediated mRNA decay, and only impacts the last 40 amino acids of the protein. However, premature stop codons are typically deleterious in nature and the impacted region is critical for protein function (Ambry internal data). This variant is considered to be rare based on population cohorts in the Genome Aggregation Database (gnomAD). Based on the supporting evidence, this alteration is interpreted as a disease-causing mutation.

Labcorp Genetics (formerly Invitae), Labcorp
Classification: Pathogenic for Familial cancer of breast. Last evaluated: 2022-01-11. Review status: criteria provided, single submitter. Criteria: Invitae Variant Classification Sherloc (09022015). Collection method: clinical testing. Allele origin: germline.
Comment: ClinVar contains an entry for this variant (Variation ID: 546008). For these reasons, this variant has been classified as Pathogenic. This variant disrupts a region of the PALB2 protein in which other variant(s) (p.Tyr1183*) have been determined to be pathogenic (PMID: 17200668, 17200671, 19609323, 21365267, 22241545, 26315354). This suggests that this is a clinically significant region of the protein, and that variants that disrupt it are likely to be disease-causing. This variant has not been reported in the literature in individuals affected with PALB2-related conditions. This variant is not present in population databases (gnomAD no frequency). This sequence change creates a premature translational stop signal (p.Cys1147*) in the PALB2 gene. While this is not anticipated to result in nonsense mediated decay, it is expected to disrupt the last 40 amino acid(s) of the PALB2 protein.

Institute of Medical Genetics and Applied Genomics, University Hospital Tübingen
Classification: Pathogenic. Last evaluated: 2020-10-23. Review status: criteria provided, single submitter. Criteria: ACMG Guidelines, 2015. Collection method: clinical testing. Allele origin: germline. Inheritance: Autosomal unknown. Affected: yes.

CeGaT Center for Human Genetics Tuebingen
Classification: Pathogenic. Last evaluated: 2017-01-01. Review status: criteria provided, single submitter. Criteria: CeGaT Center For Human Genetics Tuebingen Variant Classification Criteria Version 2. Collection method: clinical testing. Allele origin: germline. Affected: yes. Observed: 2 variant alleles.

PreventionGenetics, part of Exact Sciences
Classification: Pathogenic for PALB2-related condition. Last evaluated: 2024-03-14. Review status: no assertion criteria provided. Collection method: clinical testing. Allele origin: germline. Not counted in ClinVar's aggregate classification.
Comment: The PALB2 c.3441T>A variant is predicted to result in premature protein termination (p.Cys1147*). This variant was reported in an individual with ovarian cancer (Harter et al. 2017. PubMed ID: 29053726). This variant has not been reported in a large population database, indicating this variant is rare. It is interpreted as pathogenic in ClinVar. Nonsense variants in PALB2 are expected to be pathogenic. This variant is interpreted as pathogenic.

Literature cited by the submitters: PubMed 29053726 (cited by Women's Health and Genetics/Laboratory Corporation of America, LabCorp); PubMed 17200668 (cited by Labcorp Genetics (formerly Invitae), Labcorp); PubMed 17200671 (cited by Labcorp Genetics (formerly Invitae), Labcorp); PubMed 19609323 (cited by Labcorp Genetics (formerly Invitae), Labcorp); PubMed 21365267 (cited by Labcorp Genetics (formerly Invitae), Labcorp); PubMed 22241545 (cited by Labcorp Genetics (formerly Invitae), Labcorp); PubMed 26315354 (cited by Labcorp Genetics (formerly Invitae), Labcorp).

NM_024675.4(PALB2):c.3441T>A (p.Cys1147Ter)

Gene: PALB2 (partner and localizer of BRCA2; minus strand). Cytogenetic location: 16p12.2.
Variant type: single nucleotide variant.
Coding change: c.3441T>A on transcript NM_024675.4 (MANE Select); coding-DNA position 3441, T replaced by A.
Protein change: p.Cys1147Ter; replaces cysteine 1147 with a stop codon.
Molecular consequence: nonsense.
Genome position (GRCh38, 1-based): chr16:23,603,579, A>T on the plus strand (T>A on the coding strand, the complement: PALB2 is on the minus strand). VCF-style: chr16-23603579-A-T. GRCh37 (hg19) VCF-style: chr16-23614900-A-T.
Other names: short protein forms C1147*.
Identifiers: ClinVar variation 546008 (VCV000546008.63), dbSNP rs1555457867, ClinGen allele CA395138136.